The following is an entry in ClinVar:

ClinVar aggregate classification (germline): Pathogenic (1 of 4 stars; one submission).

Submission:

Labcorp Genetics (formerly Invitae), Labcorp
Classification: Pathogenic. Last evaluated: 2023-05-19. Review status: criteria provided, single submitter. Criteria: Invitae Variant Classification Sherloc (09022015). Collection method: clinical testing. Allele origin: unknown.
Comment: For these reasons, this variant has been classified as Pathogenic. This variant has not been reported in the literature in individuals affected with SLC38A8-related conditions. This variant is a gross deletion of the genomic region encompassing exon(s) 1-6 of the SLC38A8 gene, which includes the initiator codon. This deletion extends beyond the assayed region for this gene and therefore may encompass additional genes. It is expected to result in an absent or disrupted protein product. Loss-of-function variants in SLC38A8 are known to be pathogenic (PMID: 24290379).

Literature cited by the submitters: PubMed 24290379.

NC_000016.9:g.(?_84056360)_(84075762_?)del

Gene: SLC38A8 (solute carrier family 38 member 8; minus strand). Cytogenetic location: 16q23.3.
Variant type: Deletion.
Identifiers: ClinVar variation 3243596 (VCV003243596.1).